The following is an entry in ClinVar:

NM_001201543.2(FAM161A):c.1357G>C (p.Val453Leu)

Gene: FAM161A (FAM161 centrosomal protein A; minus strand). Cytogenetic location: 2p15.
Variant type: single nucleotide variant.
Coding change: c.1357G>C on transcript NM_001201543.2 (MANE Select); coding-DNA position 1357, G replaced by C.
Protein change: p.Val453Leu; replaces valine 453 with leucine.
Molecular consequence: missense variant. On other transcripts: non-coding transcript variant (1).
Genome position (GRCh38, 1-based): chr2:61,839,647, C>G on the plus strand (G>C on the coding strand, the complement: FAM161A is on the minus strand). VCF-style: chr2-61839647-C-G. GRCh37 (hg19) VCF-style: chr2-62066782-C-G.
Other names: c.1357G>C, p.Val453Leu (NM_032180.3); short protein forms V453L.
Identifiers: ClinVar variation 844250 (VCV000844250.5), dbSNP rs973178862, ClinGen allele CA1679169.
Genomic context (GRCh38, chr2:61,839,647, plus strand): 5'-AAATTTTTTCTCTTTTAATAGATGCATGTGGAGATGCATGAAGATCAAATGGTTTACACA[C>G]TGTTAAGAGTTTTGGAGACTTGTGTTCTGAGAGGTGTTTCTGGTATCTCTCAGGAAGGTC-3'
Protein context (NP_001188472.1, residues 443-463): SEHKSPKLLT[Val453Leu]CKPFDLHASP

ClinVar aggregate classification (germline): Conflicting classifications of pathogenicity. Review status: criteria provided, conflicting classifications (1 of 4 stars). 3 submissions from 3 submitters: Uncertain significance (1); Likely benign (1). 1 of the submissions does not count toward it. Last evaluated 2022-10-05.

Conditions:
Retinitis pigmentosa (RP). Identifiers: Orphanet 791, MedGen C0035334, MeSH D012174, MONDO:0019200, OMIM 268000. Inheritance: Autosomal dominant, autosomal recessive and X linked inheritance.

Allele frequency attached by ClinVar (database versions not stated): gnomAD exomes 0.00002 and 0.00010; gnomAD 0.00004; ExAC 0.00007; TOPMed 0.00009.
gnomAD v4.1: 34 of 1,614,056 alleles (0.0021%); highest among the groups gnomAD compares: Admixed American, 0.05%; no homozygotes.

Submissions (3):

Labcorp Genetics (formerly Invitae), Labcorp
Classification: Uncertain significance. Last evaluated: 2022-10-05. Review status: criteria provided, single submitter. Criteria: Invitae Variant Classification Sherloc (09022015). Collection method: clinical testing. Allele origin: germline.
Comment: This sequence change replaces valine, which is neutral and non-polar, with leucine, which is neutral and non-polar, at codon 453 of the FAM161A protein (p.Val453Leu). This variant is present in population databases (no rsID available, gnomAD 0.07%). This variant has not been reported in the literature in individuals affected with FAM161A-related conditions. ClinVar contains an entry for this variant (Variation ID: 844250). Advanced modeling of protein sequence and biophysical properties (such as structural, functional, and spatial information, amino acid conservation, physicochemical variation, residue mobility, and thermodynamic stability) performed at Invitae indicates that this missense variant is not expected to disrupt FAM161A protein function. In summary, the available evidence is currently insufficient to determine the role of this variant in disease. Therefore, it has been classified as a Variant of Uncertain Significance.

Blueprint Genetics
Classification: Likely benign. Last evaluated: 2022-07-13. Review status: criteria provided, single submitter. Criteria: ACMG Guidelines, 2015. Collection method: clinical testing. Allele origin: germline.

Natera, Inc.
Classification: Uncertain significance for Retinitis pigmentosa. Last evaluated: 2020-05-02. Review status: no assertion criteria provided. Collection method: clinical testing. Allele origin: germline. Not counted in ClinVar's aggregate classification.